The following is an entry in ClinVar:

ClinVar aggregate classification (germline): Conflicting classifications of pathogenicity. Review status: criteria provided, conflicting classifications (1 of 4 stars). 3 submissions from 3 submitters: Uncertain significance (1); Likely benign (2). Last evaluated 2025-10-01.

Conditions:
Inborn genetic diseases. Identifiers: MedGen C0950123, MeSH D030342.

Allele frequency attached by ClinVar (database versions not stated): gnomAD 0.00001.
gnomAD v4.1: 16 of 1,604,612 alleles (0.001%); highest among the groups gnomAD compares: African/African-American, 0.0027%; no homozygotes.

Submissions (3):

CeGaT Center for Human Genetics Tuebingen
Classification: Likely benign. Last evaluated: 2025-10-01. Review status: criteria provided, single submitter. Criteria: CeGaT Center For Human Genetics Tuebingen Variant Classification Criteria Version 2. Collection method: clinical testing. Allele origin: germline. Affected: yes. Observed: 2 variant alleles.
Comment: KMT2B: BP4

Ambry Genetics
Classification: Uncertain significance for Inborn genetic diseases. Last evaluated: 2025-08-29. Review status: criteria provided, single submitter. Criteria: Ambry Variant Classification Scheme 2023. Collection method: clinical testing. Allele origin: germline.

Labcorp Genetics (formerly Invitae), Labcorp
Classification: Likely benign. Last evaluated: 2025-03-17. Review status: criteria provided, single submitter. Criteria: Invitae Variant Classification Sherloc (09022015). Collection method: clinical testing. Allele origin: germline.

NM_014727.3(KMT2B):c.739A>G (p.Ile247Val)

Gene: KMT2B (lysine methyltransferase 2B; plus strand). Cytogenetic location: 19q13.12.
Variant type: single nucleotide variant.
Coding change: c.739A>G on transcript NM_014727.3 (MANE Select); coding-DNA position 739, A replaced by G.
Protein change: p.Ile247Val; replaces isoleucine 247 with valine.
Molecular consequence: missense variant.
Genome position (GRCh38, 1-based): chr19:35,720,086, A>G. VCF-style: chr19-35720086-A-G. GRCh37 (hg19) VCF-style: chr19-36210988-A-G.
Other names: c.739A>G (NM_014727.1); short protein forms I247V.
Identifiers: ClinVar variation 1928157 (VCV001928157.29), dbSNP rs764994644, ClinGen allele CA9384106.